The following is an entry in ClinVar:

NM_001319217.2(CYP1A1):c.1473C>T (p.Thr491=)

Gene: CYP1A1 (cytochrome P450 family 1 subfamily A member 1; minus strand). Cytogenetic location: 15q24.1.
Variant type: single nucleotide variant.
Coding change: c.1473C>T on transcript NM_001319217.2 (MANE Select); coding-DNA position 1473, C replaced by T.
Protein change: p.Thr491=; no amino-acid change (threonine 491 retained).
Molecular consequence: synonymous variant.
Genome position (GRCh38, 1-based): chr15:74,720,555, G>A on the plus strand (C>T on the coding strand, the complement: CYP1A1 is on the minus strand). VCF-style: chr15-74720555-G-A. GRCh37 (hg19) VCF-style: chr15-75012896-G-A.
Other names: c.1473C>T, p.Thr491= (NM_000499.5); c.1386C>T, p.Thr462= (NM_001319216.2); c.1473C>T (NM_001319217.1).
Identifiers: ClinVar variation 784617 (VCV000784617.6), dbSNP rs45460597, ClinGen allele CA7659207.

ClinVar aggregate classification (germline): Benign. Review status: criteria provided, multiple submitters, no conflicts (2 of 4 stars). 3 submissions from 3 submitters: Benign (2). 1 of the submissions does not count toward it. Last evaluated 2018-07-16.

Conditions:
CYP1A1-related disorder. Also called: CYP1A1-related condition.

Allele frequency attached by ClinVar (database versions not stated): gnomAD 0.00188 and 0.00190; ExAC 0.00295; gnomAD exomes 0.00394; TOPMed 0.00285; 1000 Genomes Project 0.00200; 1000 Genomes Project 30x 0.00219.
gnomAD v4.1: 1,445 of 1,611,196 alleles (0.09%); highest among the groups gnomAD compares: Admixed American, 2.4%; 25 homozygotes.

Submissions (3):

Labcorp Genetics (formerly Invitae), Labcorp
Classification: Benign. Last evaluated: 2018-07-16. Review status: criteria provided, single submitter. Criteria: Invitae Variant Classification Sherloc (09022015). Collection method: clinical testing. Allele origin: germline.

Breakthrough Genomics
Classification: Benign. Review status: criteria provided, single submitter. Criteria: ACMG Guidelines, 2015. Collection method: not provided. Allele origin: germline. Inheritance: Unknown mechanism. Affected: yes.

PreventionGenetics, part of Exact Sciences
Classification: Benign for CYP1A1-related condition. Last evaluated: 2020-01-24. Review status: no assertion criteria provided. Collection method: clinical testing. Allele origin: germline. Not counted in ClinVar's aggregate classification.
Comment: This variant is classified as benign based on ACMG/AMP sequence variant interpretation guidelines (Richards et al. 2015 PMID: 25741868, with internal and published modifications).